The following is an entry in ClinVar:

ClinVar aggregate classification (germline): Uncertain significance. Review status: criteria provided, multiple submitters, no conflicts (2 of 4 stars). 2 submissions from 2 submitters: Uncertain significance (2). Last evaluated 2026-02-27.

Conditions:
Hereditary cancer-predisposing syndrome. Also called: Hereditary neoplastic syndrome; Tumor predisposition; Neoplastic Syndromes, Hereditary; Hereditary Cancer Syndrome. Identifiers: Orphanet 140162, MedGen C0027672, MeSH D009386, MONDO:0015356.

Submissions (2):

Ambry Genetics
Classification: Uncertain significance for Hereditary cancer-predisposing syndrome. Last evaluated: 2026-02-27. Review status: criteria provided, single submitter. Criteria: Ambry Variant Classification Scheme 2023. Collection method: clinical testing. Allele origin: germline.
Comment: The p.V1743L variant (also known as c.5227G>T), located in coding exon 15 of the APC gene, results from a G to T substitution at nucleotide position 5227. The valine at codon 1743 is replaced by leucine, an amino acid with highly similar properties. This amino acid position is conserved. In addition, in silico predictors for this gene do not accurately predict pathogenicity. Based on the available evidence, the clinical significance of this variant remains unclear.

Women's Health and Genetics/Laboratory Corporation of America, LabCorp
Classification: Uncertain significance. Last evaluated: 2024-07-01. Review status: criteria provided, single submitter. Criteria: LabCorp Variant Classification Summary - May 2015. Collection method: clinical testing. Allele origin: germline.
Comment: Variant summary: APC c.5227G>T (p.Val1743Leu) results in a conservative amino acid change in the encoded protein sequence. Four of five in-silico tools predict a benign effect of the variant on protein function. The variant was absent in 250600 control chromosomes (gnomAD). The available data on variant occurrences in the general population are insufficient to allow any conclusion about variant significance. To our knowledge, no occurrence of c.5227G>T in individuals affected with Familial Adenomatous Polyposis and no experimental evidence demonstrating its impact on protein function have been reported. No submitters have cited clinical-significance assessments for this variant to ClinVar. Based on the evidence outlined above, the variant was classified as uncertain significance.

NM_000038.6(APC):c.5227G>T (p.Val1743Leu)

Gene: APC (APC regulator of Wnt signaling pathway; plus strand). Cytogenetic location: 5q22.2.
Variant type: single nucleotide variant.
Coding change: c.5227G>T on transcript NM_000038.6 (MANE Select); coding-DNA position 5227, G replaced by T.
Protein change: p.Val1743Leu; replaces valine 1743 with leucine.
Molecular consequence: missense variant. On other transcripts: non-coding transcript variant (2).
Genome position (GRCh38, 1-based): chr5:112,840,821, G>T. VCF-style: chr5-112840821-G-T. GRCh37 (hg19) VCF-style: chr5-112176518-G-T.
Other names: c.5227G>T (NM_000038.5); c.5227G>T, p.Val1743Leu (NM_001127510.3, NM_001354895.2, NM_001407450.1); c.5173G>T, p.Val1725Leu (NM_001127511.3); c.5281G>T, p.Val1761Leu (NM_001354896.2, NM_001407447.1, NM_001407448.1 and 1 more transcripts); c.5257G>T, p.Val1753Leu (NM_001354897.2); c.5152G>T, p.Val1718Leu (NM_001354898.2); c.5143G>T, p.Val1715Leu (NM_001354899.2); c.5104G>T, p.Val1702Leu (NM_001354900.2); and 12 more; short protein forms V1359L, V1460L, V1583L, V1614L, V1617L, V1642L, V1652L, V1660L.
Identifiers: ClinVar variation 3339244 (VCV003339244.2).